The following is an entry in ClinVar:

ClinVar aggregate classification (germline): Uncertain significance (1 of 4 stars; one submission).

Conditions:
Cardiovascular phenotype. Identifiers: MedGen CN230736.

Submission:

Ambry Genetics
Classification: Uncertain significance for Cardiovascular phenotype. Last evaluated: 2026-02-11. Review status: criteria provided, single submitter. Criteria: Ambry Variant Classification Scheme 2023. Collection method: clinical testing. Allele origin: germline.
Comment: The c.11318+5G>T intronic alteration consists of a G to T substitution 5 nucleotides after exon 42 (coding exon 42) in the ANK2 gene. This variant was not reported in population-based cohorts in the Genome Aggregation Database (gnomAD). This nucleotide position is highly conserved in available vertebrate species. In silico splice site analysis predicts that this alteration will weaken the native splice donor site. Based on insufficient or conflicting evidence, the clinical significance of this alteration remains unclear.

NM_001148.6(ANK2):c.11318+5G>T

Gene: ANK2 (ankyrin 2; plus strand). Cytogenetic location: 4q26.
Variant type: single nucleotide variant.
Coding change: c.11318+5G>T on transcript NM_001148.6 (MANE Select); 5 bases into the intron after coding-DNA position 11318, G replaced by T.
Molecular consequence: intron variant.
Genome position (GRCh38, 1-based): chr4:113,367,856, G>T. VCF-style: chr4-113367856-G-T. GRCh37 (hg19) VCF-style: chr4-114289012-G-T.
Other names: c.5048+5G>T (NM_001386186.2, NM_001386148.2); c.4850+5G>T (NM_001354269.3); c.4928+5G>T (NM_001386187.2); c.4889+5G>T (NM_001386147.1); c.4907+5G>T (NM_001386160.1); c.5012+5G>T (NM_001354254.2); c.5033+5G>T (NM_001354239.2, NM_001354252.2); c.4934+5G>T (NM_001354272.2); and 35 more.
Identifiers: ClinVar variation 4839595 (VCV004839595.1).